The following is an entry in ClinVar:

NM_004525.3(LRP2):c.10124C>T (p.Thr3375Ile)

Gene: LRP2 (LDL receptor related protein 2; minus strand). Cytogenetic location: 2q31.1.
Variant type: single nucleotide variant.
Coding change: c.10124C>T on transcript NM_004525.3 (MANE Select); coding-DNA position 10124, C replaced by T.
Protein change: p.Thr3375Ile; replaces threonine 3375 with isoleucine.
Molecular consequence: missense variant.
Genome position (GRCh38, 1-based): chr2:169,181,493, G>A on the plus strand (C>T on the coding strand, the complement: LRP2 is on the minus strand). VCF-style: chr2-169181493-G-A. GRCh37 (hg19) VCF-style: chr2-170038003-G-A.
Other names: short protein forms T3375I.
Identifiers: ClinVar variation 1381239 (VCV001381239.6), dbSNP rs2105294465, ClinGen allele CA349150864.
Genomic context (GRCh38, chr2:169,181,493, plus strand): 5'-TTTCTATGTACGTACTCTATGTAACCCAGGTGGGCATCTGCCCAGTAGAGTAGATCATTG[G>A]TGTAATCAATGGTGATGCCATTAGGCCACTCTAACTTGGTGGAGATTATCACAGACTTGT-3'
Protein context (NP_004516.2, residues 3365-3385): EWPNGITIDY[Thr3375Ile]NDLLYWADAH

ClinVar aggregate classification (germline): Uncertain significance (1 of 4 stars; one submission).

Submission:

Labcorp Genetics (formerly Invitae), Labcorp
Classification: Uncertain significance. Last evaluated: 2021-09-15. Review status: criteria provided, single submitter. Criteria: Invitae Variant Classification Sherloc (09022015). Collection method: clinical testing. Allele origin: germline.
Comment: In summary, the available evidence is currently insufficient to determine the role of this variant in disease. Therefore, it has been classified as a Variant of Uncertain Significance. Advanced modeling of protein sequence and biophysical properties (such as structural, functional, and spatial information, amino acid conservation, physicochemical variation, residue mobility, and thermodynamic stability) performed at Invitae indicates that this missense variant is not expected to disrupt LRP2 protein function. This variant has not been reported in the literature in individuals affected with LRP2-related conditions. This variant is not present in population databases (ExAC no frequency). This sequence change replaces threonine with isoleucine at codon 3375 of the LRP2 protein (p.Thr3375Ile). The threonine residue is highly conserved and there is a moderate physicochemical difference between threonine and isoleucine.